The following is an entry in ClinVar:

ClinVar aggregate classification (germline): Pathogenic (1 of 4 stars; one submission).

Conditions:
Neurofibromatosis, type 1 (NF1). Also called: NEUROFIBROMATOSIS, TYPE I, SOMATIC; Peripheral type neurofibromatosis; VON RECKLINGHAUSEN DISEASE; Neurofibromatosis, type I. Identifiers: Orphanet 636, MedGen C0027831, MONDO:0018975, OMIM 162200. Disease mechanism: loss of function.

Submission:

Labcorp Genetics (formerly Invitae), Labcorp
Classification: Pathogenic for Neurofibromatosis, type 1. Last evaluated: 2022-10-27. Review status: criteria provided, single submitter. Criteria: Invitae Variant Classification Sherloc (09022015). Collection method: clinical testing. Allele origin: germline.
Comment: For these reasons, this variant has been classified as Pathogenic. This variant has not been reported in the literature in individuals affected with NF1-related conditions. This variant is not present in population databases (gnomAD no frequency). This sequence change creates a premature translational stop signal (p.His1727Leufs*18) in the NF1 gene. It is expected to result in an absent or disrupted protein product. Loss-of-function variants in NF1 are known to be pathogenic (PMID: 10712197, 23913538).

Literature cited by the submitters: PubMed 10712197; PubMed 23913538.

NM_001042492.3(NF1):c.5241_5242dup (p.His1748fs)

Gene: NF1 (neurofibromin 1; plus strand). Cytogenetic location: 17q11.2.
Variant type: Duplication.
Coding change: c.5241_5242dup on transcript NM_001042492.3 (MANE Select); coding-DNA positions 5241 to 5242, 2 bases duplicated (TC; older notation c.5241_5242dupTC).
Protein change: p.His1748fs; shifts the reading frame from histidine 1748.
Molecular consequence: frameshift variant.
Genome position (GRCh38, 1-based): chr17:31,326,225-31,326,226, TC duplicated; duplicating any 2 consecutive bases within chr17:31,326,224-31,326,226 gives the same sequence; the c. name uses the placement nearest the transcript's 3' end. VCF-style (leftmost placement, unchanged base first): chr17-31326223-G-GCT. GRCh37 (hg19) VCF-style: chr17-29653241-G-GCT.
Other names: c.5178_5179dup, p.His1727Leufs (NM_000267.4); short protein forms H1727fs, H1748fs.
Identifiers: ClinVar variation 2809871 (VCV002809871.3), dbSNP rs2508698541, ClinGen allele CA2739267463.
Genomic context (GRCh38, chr17:31,326,223, plus strand): 5'-CCTGCTGCCACCTTGGCTTTAGAAGAGGACCTGAAGGTATTCCACAATGCTCTCAAGCTA[G>GCT]CTCACAAAGACACCAAAGTTTCTATTAAAGTAAGTTCCAGTCTGTGTTTTGTAAACGATT-3'